The following is an entry in ClinVar:

NM_022124.6(CDH23):c.8299T>G (p.Phe2767Val)

Gene: CDH23 (cadherin related 23; plus strand). Cytogenetic location: 10q22.1.
Variant type: single nucleotide variant.
Coding change: c.8299T>G on transcript NM_022124.6 (MANE Select); coding-DNA position 8299, T replaced by G.
Protein change: p.Phe2767Val; replaces phenylalanine 2767 with valine.
Molecular consequence: missense variant.
Genome position (GRCh38, 1-based): chr10:71,807,397, T>G. VCF-style: chr10-71807397-T-G. GRCh37 (hg19) VCF-style: chr10-73567154-T-G.
Other names: c.8299T>G (NM_022124.5); c.1579T>G, p.Phe527Val (NM_001171933.1, NM_001171934.1); short protein forms F2767V, F527V.
Identifiers: ClinVar variation 2201965 (VCV002201965.3), dbSNP rs370903798, ClinGen allele CA5546601.

ClinVar aggregate classification (germline): Uncertain significance. Review status: criteria provided, multiple submitters, no conflicts (2 of 4 stars). 3 submissions from 3 submitters: Uncertain significance (3). Last evaluated 2025-10-08.

Conditions:
Inborn genetic diseases. Identifiers: MedGen C0950123, MeSH D030342.

Allele frequency attached by ClinVar (database versions not stated): gnomAD 0.00002; ExAC 0.00003; TOPMed 0.00005; ESP Exome Variant Server 0.00008.
gnomAD v4.1: 55 of 1,613,694 alleles (0.0034%); highest among the groups gnomAD compares: Non-Finnish European, 0.0043%; no homozygotes.

Submissions (3):

Ambry Genetics
Classification: Uncertain significance for Inborn genetic diseases. Last evaluated: 2025-10-08. Review status: criteria provided, single submitter. Criteria: Ambry Variant Classification Scheme 2023. Collection method: clinical testing. Allele origin: germline.

Blueprint Genetics
Classification: Uncertain significance. Last evaluated: 2024-08-12. Review status: criteria provided, single submitter. Criteria: ACMG Guidelines, 2015. Collection method: clinical testing. Allele origin: germline.

Labcorp Genetics (formerly Invitae), Labcorp
Classification: Uncertain significance. Last evaluated: 2022-08-10. Review status: criteria provided, single submitter. Criteria: Invitae Variant Classification Sherloc (09022015). Collection method: clinical testing. Allele origin: germline.
Comment: This sequence change replaces phenylalanine, which is neutral and non-polar, with valine, which is neutral and non-polar, at codon 2767 of the CDH23 protein (p.Phe2767Val). This variant is present in population databases (rs370903798, gnomAD 0.008%). This variant has not been reported in the literature in individuals affected with CDH23-related conditions. Algorithms developed to predict the effect of missense changes on protein structure and function are either unavailable or do not agree on the potential impact of this missense change (SIFT: "Deleterious"; PolyPhen-2: "Not Available"; Align-GVGD: "Class C0"). In summary, the available evidence is currently insufficient to determine the role of this variant in disease. Therefore, it has been classified as a Variant of Uncertain Significance.